The following is an entry in ClinVar:

NM_144991.3(TSPEAR):c.1713C>T (p.Thr571=)

Genes: TSPEAR (thrombospondin type laminin G domain and EAR repeats; minus strand), TSPEAR-AS1 (TSPEAR antisense RNA 1; plus strand), LOC126653398 (CDK7 strongly-dependent group 2 enhancer GRCh37_chr21:45928270-45929469; plus strand). Cytogenetic location: 21q22.3.
Variant type: single nucleotide variant.
Coding change: c.1713C>T on transcript NM_144991.3 (MANE Select); coding-DNA position 1713, C replaced by T.
Protein change: p.Thr571=; no amino-acid change (threonine 571 retained).
Molecular consequence: synonymous variant.
Genome position (GRCh38, 1-based): chr21:44,509,240, G>A on the plus strand (C>T on the coding strand, the complement: TSPEAR is on the minus strand). VCF-style: chr21-44509240-G-A. GRCh37 (hg19) VCF-style: chr21-45929123-G-A.
Other names: c.1509C>T, p.Thr503= (NM_001272037.2); c.1713C>T (NM_144991.2).
Identifiers: ClinVar variation 1607354 (VCV001607354.10), dbSNP rs782303161, ClinGen allele CA10056411.
Genomic context (GRCh38, chr21:44,509,240, plus strand): 5'-GGCCTGTGGAGGCGCATACCTGCAGGTGAGAATGTCCTGGAACTTGACAAAGGCCTGCGC[G>A]GTCACGTTCAGCTCGTAGATGACGGAGTTGATGACATAGGAATCATTCTGGACTTGCATC-3'
Protein context (NP_659428.2, residues 561-581): INSVIYELNV[Thr571=]AQAFVKFQDI

ClinVar aggregate classification (germline): Likely benign. Review status: criteria provided, single submitter (1 of 4 stars). 2 submissions from 2 submitters: Likely benign (1). 1 of the submissions does not count toward it. Last evaluated 2021-07-06.

Conditions:
TSPEAR-related disorder. Also called: TSPEAR-related condition.

Allele frequency attached by ClinVar (database versions not stated): gnomAD exomes 0.00003; ExAC 0.00005; gnomAD 0.00006 and 0.00007; TOPMed 0.00008.
gnomAD v4.1: 21 of 1,613,876 alleles (0.0013%); highest among the groups gnomAD compares: African/African-American, 0.017%; no homozygotes.

Submissions (2):

Labcorp Genetics (formerly Invitae), Labcorp
Classification: Likely benign. Last evaluated: 2021-07-06. Review status: criteria provided, single submitter. Criteria: Invitae Variant Classification Sherloc (09022015). Collection method: clinical testing. Allele origin: germline.

PreventionGenetics, part of Exact Sciences
Classification: Likely benign for TSPEAR-related condition. Last evaluated: 2022-12-29. Review status: no assertion criteria provided. Collection method: clinical testing. Allele origin: germline. Not counted in ClinVar's aggregate classification.
Comment: This variant is classified as likely benign based on ACMG/AMP sequence variant interpretation guidelines (Richards et al. 2015 PMID: 25741868, with internal and published modifications).